The following is an entry in ClinVar:

NM_000111.3(SLC26A3):c.357C>A (p.Phe119Leu)

Gene: SLC26A3 (solute carrier family 26 member 3; minus strand). Cytogenetic location: 7q22.3.
Variant type: single nucleotide variant.
Coding change: c.357C>A on transcript NM_000111.3 (MANE Select); coding-DNA position 357, C replaced by A.
Protein change: p.Phe119Leu; replaces phenylalanine 119 with leucine.
Molecular consequence: missense variant.
Genome position (GRCh38, 1-based): chr7:107,791,855, G>T on the plus strand (C>A on the coding strand, the complement: SLC26A3 is on the minus strand). VCF-style: chr7-107791855-G-T. GRCh37 (hg19) VCF-style: chr7-107432300-G-T.
Other names: short protein forms F119L.
Identifiers: ClinVar variation 378598 (VCV000378598.26), dbSNP rs73419912, ClinGen allele CA4434159.

ClinVar aggregate classification (germline): Benign/Likely benign. Review status: criteria provided, multiple submitters, no conflicts (2 of 4 stars). 6 submissions from 6 submitters: Benign (4); Likely benign (2). Last evaluated 2026-05-01.

Conditions:
Congenital secretory diarrhea, chloride type (DIAR1). Also called: CHLORIDE DIARRHEA, CONGENITAL, FINNISH TYPE; DIARRHEA 1, SECRETORY CHLORIDE, CONGENITAL; CHLORIDORRHEA, CONGENITAL. Identifiers: Orphanet 53689, MedGen C0267662, MONDO:0008964, OMIM 214700.

Allele frequency attached by ClinVar (database versions not stated): 1000 Genomes Project 30x 0.00172; 1000 Genomes Project 0.00180; TOPMed 0.00767; ESP Exome Variant Server 0.01015.
gnomAD v4.1: 18,199 of 1,612,342 alleles (1.1%); highest among the groups gnomAD compares: Non-Finnish European, 1.3%; 147 homozygotes.

Submissions (8):

CeGaT Center for Human Genetics Tuebingen
Classification: Benign. Last evaluated: 2026-05-01. Review status: criteria provided, single submitter. Criteria: CeGaT Center For Human Genetics Tuebingen Variant Classification Criteria Version 2. Collection method: clinical testing. Allele origin: germline. Affected: yes. Observed: 3 variant alleles.
Comment: SLC26A3: PP3, BS1, BS2

Labcorp Genetics (formerly Invitae), Labcorp
Classification: Benign. Last evaluated: 2026-02-03. Review status: criteria provided, single submitter. Criteria: Invitae Variant Classification Sherloc (09022015). Collection method: clinical testing. Allele origin: germline.

GeneDx
Classification: Benign. Last evaluated: 2020-09-09. Review status: criteria provided, single submitter. Criteria: GeneDx Variant Classification Process June 2021. Collection method: clinical testing. Allele origin: germline. Affected: yes.
Comment: This variant is associated with the following publications: (PMID: 29079751)

Illumina Laboratory Services, Illumina
Classification: Benign for Congenital secretory diarrhea, chloride type. Last evaluated: 2018-01-12. Review status: criteria provided, single submitter. Criteria: ICSL Variant Classification Criteria 13 December 2019. Collection method: clinical testing. Allele origin: germline.
Comment: This variant was observed in the ICSL laboratory as part of a predisposition screen in an ostensibly healthy population. It had not been previously curated by ICSL or reported in the Human Gene Mutation Database (HGMD: prior to June 1st, 2018), and was therefore a candidate for classification through an automated scoring system. Utilizing variant allele frequency, disease prevalence and penetrance estimates, and inheritance mode, an automated score was calculated to assess if this variant is too frequent to cause the disease. Based on the score and internal cut-off values, a variant classified as benign is not then subjected to further curation. The score for this variant resulted in a classification of benign for this disease.

Center for Pediatric Genomic Medicine, Children's Mercy Hospital and Clinics
Classification: Likely benign. Last evaluated: 2017-09-25. Review status: criteria provided, single submitter. Criteria: ACMG Guidelines, 2015. Collection method: clinical testing. Allele origin: germline.

Breakthrough Genomics
Classification: Likely benign. Review status: criteria provided, single submitter. Criteria: ACMG Guidelines, 2015. Collection method: not provided. Allele origin: germline. Inheritance: Autosomal recessive inheritance. Affected: yes.

Dr. Peter K. Rogan Lab, Western University
No classification provided (evidence only). Condition: Colon adenocarcinoma. Review status: no classification provided. Collection method: in vitro. Allele origin: not applicable. Functional consequence: skipped exon, retained intron. Not counted in ClinVar's aggregate classification.

Dr. Peter K. Rogan Lab, Western University
No classification provided (evidence only). Condition: Malignant tumor of esophagus. Review status: no classification provided. Collection method: in vitro. Allele origin: not applicable. Functional consequence: skipped exon. Not counted in ClinVar's aggregate classification.